The following is an entry in ClinVar:

ClinVar aggregate classification (germline): Uncertain significance. Review status: reviewed by expert panel (3 of 4 stars). 9 submissions from 9 submitters: Uncertain significance (1). 8 of the submissions do not count toward it. Last evaluated 2025-08-01.

Conditions:
RYR1-related disorder. Also called: RYR1-related condition; RYR1-related disorders. Identifiers: MedGen CN239331.
Congenital myopathy with fiber type disproportion. Also called: Congenital fiber-type disproportion myopathy; Congenital fiber-type disproportion. Identifiers: Orphanet 2020, MedGen C0546264, MONDO:0009711. Inheritance: all.
Congenital multicore myopathy with external ophthalmoplegia (CMYO1B). Also called: Minicore myopathy with external ophthalmoplegia; MULTICORE MYOPATHY; Congenital myopathy 1B, autosomal recessive; Minicore myopathy; MULTIMINICORE DISEASE WITH EXTERNAL OPHTHALMOPLEGIA. Identifiers: Orphanet 598, Orphanet 98905, MedGen C1850674, MONDO:0009712, OMIM 255320, HP:0003789.
King Denborough syndrome (KDS). Identifiers: MedGen C1840365, MONDO:0020485, OMIM 619542.
Malignant hyperthermia, susceptibility to, 1 (MHS1). Also called: RYR1-Related Malignant Hyperthermia Susceptibility; Anesthesia related hyperthermia; Malignant hyperpyrexia; Fulminating hyperpyrexia; Pharmacogenic myopathy; Malignant hyperthermia suceptibility 1. Identifiers: Orphanet 423, MedGen C2930980, MONDO:0007783, OMIM 145600.
Central core myopathy (CMYO1A). Also called: CONGENITAL MYOPATHY 1A, AUTOSOMAL DOMINANT, WITH SUSCEPTIBILITY TO MALIGNANT HYPERTHERMIA; Central core disease; Myopathy, central fibrillar. Identifiers: Orphanet 597, MedGen C5830701, MONDO:0007294, OMIM 117000.

Allele frequency attached by ClinVar (database versions not stated): gnomAD 0.00002; TOPMed 0.00002; gnomAD exomes below 0.00001 and 0.00001.
gnomAD v4.1: 7 of 1,614,050 alleles (0.00043%); highest among the groups gnomAD compares: African/African-American, 0.0027%; no homozygotes.

Submissions (9):

ClinGen Malignant Hyperthermia Susceptibility Variant Curation Expert Panel, ClinGen
Classification: Uncertain significance for Malignant hyperthermia, susceptibility to, 1. Last evaluated: 2025-08-01. Review status: reviewed by expert panel. Criteria: ClinGen MHS ACMG Specifications V2. Collection method: curation. Allele origin: germline. Inheritance: Autosomal dominant inheritance.
Comment: This pathogenicity assessment is relevant only for malignant hyperthermia susceptibility (MHS) inherited in an autosomal dominant pattern. Variants in RYR1 can also cause other myopathies inherited in an autosomal dominant pattern or in an autosomal recessive pattern. Some of these disorders may predispose individuals to malignant hyperthermia. RYR1 variants may also contribute to a malignant hyperthermia reaction in combination with other genetic and non-genetic factors and the clinician needs to consider such factors in making management decisions. This sequence variant predicts a substitution of asparagine with tyrosine at codon 4119 of the RYR1 protein, p.(Asn4119Tyr). The maximum allele frequency for this variant among the six major gnomAD populations is NFE: 0.000016, a frequency consistent with pathogenicity for MHS. This variant has been reported in an individual with a personal or family history of an MH episode and a positive in vitro contracture test (IVCT) or caffeine halothane contracture test (CHCT) result (if the proband was unavailable for testing, a positive diagnostic test result in a mutation-positive relative was counted), PS4_Supporting (PMID:15731587). A functional study using [3H]ryanodine in HEK293 cells showed altered activity of this variant compared to wild-type but this study did not meet the VCEP criteria for a well-established functional study (PMID:27558158). This variant does not reside in a hotspot for pathogenic variants that contribute to MHS. A REVEL score of 0.813 supports neither a pathogenic nor a benign status for this variant. This variant has been classified as a Variant of Unknown Significance. Criteria implemented: PS4_Supporting.

GeneDx
Classification: Uncertain significance. Last evaluated: 2026-08-28. Review status: criteria provided, single submitter. Criteria: GeneDx Variant Classification Process June 2021. Collection method: clinical testing. Allele origin: germline. Not counted in ClinVar's aggregate classification.
Comment: Published functional studies found this variant was associated with calcium and magnesium dependent channel regulation that was not significantly different than wild-type (PMID: 27558158); In silico analysis supports that this missense variant has a deleterious effect on protein structure/function; Not observed at significant frequency in large population cohorts (gnomAD); Also known as p.(N4120Y); This variant is associated with the following publications: (PMID: 16115682, 27558158, 15731587)

Women's Health and Genetics/Laboratory Corporation of America, LabCorp
Classification: Uncertain significance. Last evaluated: 2025-10-31. Review status: criteria provided, single submitter. Criteria: LabCorp Variant Classification Summary - May 2015. Collection method: clinical testing. Allele origin: germline. Not counted in ClinVar's aggregate classification.
Comment: Variant summary: RYR1 c.12355A>T (p.Asn4119Tyr) results in a non-conservative amino acid change in the encoded protein sequence. Algorithms developed to predict the effect of missense changes on protein structure and function all suggest that this variant is likely to be disruptive. The variant allele was found at a frequency of 4e-06 in 249954 control chromosomes. The available data on variant occurrences in the general population are insufficient to allow any conclusion about variant significance. c.12355A>T has been observed in individual(s) affected with malignant hyperthermia susceptibility (Sambuughin_2005). These report(s) do not provide unequivocal conclusions about association of the variant with Malignant Hyperthermia Susceptibility. At least one publication reports experimental evidence evaluating an impact on protein function. These results showed no damaging effect of this variant (Gomez_2016). The following publications have been ascertained in the context of this evaluation (PMID: 15731587, 15731587). ClinVar contains an entry for this variant (Variation ID: 133036). Based on the evidence outlined above, the variant was classified as uncertain significance.

Color Diagnostics, LLC DBA Color Health
Classification: Uncertain significance for Malignant hyperthermia, susceptibility to, 1. Last evaluated: 2025-05-21. Review status: criteria provided, single submitter. Criteria: ACMG Guidelines, 2015. Collection method: clinical testing. Allele origin: germline. Not counted in ClinVar's aggregate classification.
Comment: This missense variant replaces asparagine with tyrosine at codon 4119 of the RYR1 protein. Computational prediction suggests that this variant may have deleterious impact on protein structure and function. A functional study has shown that this variant does not alter Ca2+-channel activity (PMID: 27558158). This variant has been reported in an individual affected with malignant hyperthermia susceptibility (PMID: 15731587). This variant has been identified in 2/281334 chromosomes in the general population by the Genome Aggregation Database (gnomAD). The available evidence is insufficient to determine the role of this variant in disease conclusively. Therefore, this variant is classified as a Variant of Uncertain Significance.

All of Us Research Program, National Institutes of Health
Classification: Uncertain significance for Malignant hyperthermia, susceptibility to, 1. Last evaluated: 2024-09-23. Review status: criteria provided, single submitter. Criteria: ACMG Guidelines, 2015. Collection method: clinical testing. Allele origin: germline. Inheritance: Autosomal dominant inheritance. Observed: 3 variant alleles, 3 heterozygotes. Not counted in ClinVar's aggregate classification.
Comment: This missense variant replaces asparagine with tyrosine at codon 4119 of the RYR1 protein. Computational prediction suggests that this variant may have deleterious impact on protein structure and function (internally defined REVEL score threshold >= 0.7, PMID: 27666373). A functional study in HEK293 cells showed no significant difference between Ca2+-channel regulation in cells expressing this variant compared to cells expressing wild-type RYR1 (PMID: 27558158). This variant has been reported in one individual affected with malignant hyperthermia susceptibility (PMID: 15731587). This variant has been identified in 2/281334 chromosomes in the general population by the Genome Aggregation Database (gnomAD). The available evidence is insufficient to determine the role of this variant in disease conclusively. Therefore, this variant is classified as a Variant of Uncertain Significance.

This study involves interpretation of variants in research participants for the purpose of population health screening. Participant phenotype was not available at the time of variant classification. Additional details can be found in publication PMID: 35346344, PMCID: PMC8962531

Labcorp Genetics (formerly Invitae), Labcorp
Classification: Uncertain significance for RYR1-related disorder. Last evaluated: 2022-10-20. Review status: criteria provided, single submitter. Criteria: Invitae Variant Classification Sherloc (09022015). Collection method: clinical testing. Allele origin: germline. Not counted in ClinVar's aggregate classification.
Comment: This sequence change replaces asparagine, which is neutral and polar, with tyrosine, which is neutral and polar, at codon 4119 of the RYR1 protein (p.Asn4119Tyr). This variant is present in population databases (rs193922848, gnomAD 0.002%). This missense change has been observed in individual(s) with malignant hyperthermia susceptibility (PMID: 15731587). This variant is also known as N4120Y. ClinVar contains an entry for this variant (Variation ID: 133036). Advanced modeling of protein sequence and biophysical properties (such as structural, functional, and spatial information, amino acid conservation, physicochemical variation, residue mobility, and thermodynamic stability) has been performed at Invitae for this missense variant, however the output from this modeling did not meet the statistical confidence thresholds required to predict the impact of this variant on RYR1 protein function. Experimental studies have shown that this missense change does not substantially affect RYR1 function (PMID: 27558158). In summary, the available evidence is currently insufficient to determine the role of this variant in disease. Therefore, it has been classified as a Variant of Uncertain Significance.

Fulgent Genetics
Classification: Uncertain significance for Central core myopathy; Malignant hyperthermia, susceptibility to, 1; Congenital myopathy 4A, autosomal dominant; Congenital multicore myopathy with external ophthalmoplegia; King Denborough syndrome. Last evaluated: 2021-09-08. Review status: criteria provided, single submitter. Criteria: ACMG Guidelines, 2015. Collection method: clinical testing. Allele origin: unknown. Not counted in ClinVar's aggregate classification.

Revvity Omics, Revvity
Classification: Uncertain significance. Last evaluated: 2019-12-10. Review status: criteria provided, single submitter. Criteria: ACMG Guidelines, 2015. Collection method: clinical testing. Allele origin: germline. Not counted in ClinVar's aggregate classification.

RYR1 database
No classification provided. Review status: no classification provided. Collection method: not provided. Allele origin: unknown. Not counted in ClinVar's aggregate classification.

Literature cited by the submitters: PubMed 15731587 (cited by 4 submitters); PubMed 27558158 (cited by 3 submitters).

NM_000540.3(RYR1):c.12355A>T (p.Asn4119Tyr)

Gene: RYR1 (ryanodine receptor 1; plus strand). Cytogenetic location: 19q13.2.
Variant type: single nucleotide variant.
Coding change: c.12355A>T on transcript NM_000540.3 (MANE Select); coding-DNA position 12355, A replaced by T.
Protein change: p.Asn4119Tyr; replaces asparagine 4119 with tyrosine.
Molecular consequence: missense variant.
Genome position (GRCh38, 1-based): chr19:38,561,185, A>T. VCF-style: chr19-38561185-A-T. GRCh37 (hg19) VCF-style: chr19-39051825-A-T.
Other names: c.12340A>T, p.Asn4114Tyr (NM_001042723.2); c.12355A>T (NM_000540.2); short protein forms N4119Y, N4114Y.
Identifiers: ClinVar variation 133036 (VCV000133036.16), dbSNP rs193922848, ClinGen allele CA023980.
Genomic context (GRCh38, chr19:38,561,185, plus strand): 5'-CAGAAGCAGTTCAGCGGTCCAGAAATCCAGTTCCTGCTTTCGTGCTCCGAAGCGGATGAG[A>T]ACGAAATGATCAACTGCGAAGAGTTCGCCAACCGCTTCCAGGAGCCAGCACGCGACATCG-3'
Protein context (NP_000531.2, residues 4109-4129): FLLSCSEADE[Asn4119Tyr]EMINCEEFAN